The following is an entry in ClinVar:

ClinVar aggregate classification (germline): Pathogenic. Review status: criteria provided, multiple submitters, no conflicts (2 of 4 stars). 2 submissions from 2 submitters: Pathogenic (2). Last evaluated 2026-05-18.

Conditions:
SMCHD1-related disorder. Also called: SMCHD1-related condition.

Submissions (2):

PreventionGenetics, part of Exact Sciences
Classification: Pathogenic for SMCHD1-related condition. Last evaluated: 2026-05-18. Review status: criteria provided, single submitter. Criteria: ACMG Guidelines, 2015. Collection method: clinical testing. Allele origin: germline.
Comment: The SMCHD1 c.3238_3239delGA variant is predicted to result in a frameshift and premature protein termination (p.Glu1080Asnfs*12). This variant has been reported in an individual with facioscapulohumeral muscular dystrophy 2 and the 4qA permissive haplotype (Supp. Table 1, Lemmers et al. 2015. PubMed ID: 25256356). This variant has not been reported in a large population database (gnomAD), indicating this variant is rare. Frameshift variants in SMCHD1 are expected to be pathogenic. This variant is interpreted as pathogenic.

Eurofins Ntd Llc (ga)
Classification: Pathogenic. Last evaluated: 2016-02-02. Review status: criteria provided, single submitter. Criteria: EGL Classification Definitions 2015. Collection method: clinical testing. Allele origin: germline. Observed: 1 variant allele, 1 heterozygote.

NM_015295.3(SMCHD1):c.3238_3239del (p.Glu1080fs)

Gene: SMCHD1 (structural maintenance of chromosomes flexible hinge domain containing 1; plus strand). Cytogenetic location: 18p11.32.
Variant type: Microsatellite.
Coding change: c.3238_3239del on transcript NM_015295.3 (MANE Select); coding-DNA positions 3238 to 3239, 2 bases deleted (GA; older notation c.3238_3239delGA).
Protein change: p.Glu1080fs; shifts the reading frame from glutamic acid 1080.
Molecular consequence: frameshift variant.
Genome position (GRCh38, 1-based): chr18:2,732,454-2,732,455, GA deleted; deleting any 2 consecutive bases within chr18:2,732,451-2,732,455 gives the same sequence; the c. name uses the placement nearest the transcript's 3' end. VCF-style (leftmost placement, unchanged base first): chr18-2732450-AAG-A. GRCh37 (hg19) VCF-style: chr18-2732448-AAG-A.
Other names: c.3238_3239delGA (NM_015295.2); short protein forms E1080fs.
Identifiers: ClinVar variation 285698 (VCV000285698.6), dbSNP rs886043182, ClinGen allele CA10605209.